The following is an entry in ClinVar:

NM_004187.5(KDM5C):c.1593G>A (p.Pro531=)

Gene: KDM5C (lysine demethylase 5C; minus strand). Cytogenetic location: Xp11.22.
Variant type: single nucleotide variant.
Coding change: c.1593G>A on transcript NM_004187.5 (MANE Select); coding-DNA position 1593, G replaced by A.
Protein change: p.Pro531=; no amino-acid change (proline 531 retained).
Molecular consequence: synonymous variant. On other transcripts: non-coding transcript variant (3).
Genome position (GRCh38, 1-based): chrX:53,210,567, C>T on the plus strand (G>A on the coding strand, the complement: KDM5C is on the minus strand). VCF-style: chrX-53210567-C-T. GRCh37 (hg19) VCF-style: chrX-53239749-C-T.
Other names: c.1392G>A, p.Pro464= (NM_001146702.2); c.1590G>A, p.Pro530= (NM_001282622.3, NM_001353979.2, NM_001353982.2); c.1593G>A, p.Pro531= (NM_001353978.3, NM_001353981.2, NM_001353984.2).
Identifiers: ClinVar variation 2660595 (VCV002660595.24), dbSNP rs782494226, ClinGen allele CA10419506.
Genomic context (GRCh38, chrX:53,210,567, plus strand): 5'-CTTCTTCATCACTTCTTCCAAATGTTCTGCTGCAAGTGAGGGCACCCCATACCAGGTCTT[C>T]GGCTCACCCCTGCACAAGTGGAAAAGGGACACACACAGTAAATCACACCTTGGTCATGCA-3'
Protein context (NP_004178.2, residues 521-541): YSINYLHWGE[Pro531=]KTWYGVPSLA

ClinVar aggregate classification (germline): Likely benign (1 of 4 stars; one submission).

Allele frequency attached by ClinVar (database versions not stated): gnomAD exomes 0.00001; ExAC 0.00002; TOPMed 0.00002.
gnomAD v4.1: 6 of 1,211,881 alleles (0.0005%); highest among the groups gnomAD compares: African/African-American, 0.0035%; no homozygotes.

Submission:

CeGaT Center for Human Genetics Tuebingen
Classification: Likely benign. Last evaluated: 2022-08-01. Review status: criteria provided, single submitter. Criteria: CeGaT Center For Human Genetics Tuebingen Variant Classification Criteria Version 2. Collection method: clinical testing. Allele origin: germline. Affected: yes. Observed: 1 variant allele.
Comment: KDM5C: BP4, BP7